The following is an entry in ClinVar:

NM_000110.4(DPYD):c.762G>T (p.Lys254Asn)

Gene: DPYD (dihydropyrimidine dehydrogenase; minus strand). Cytogenetic location: 1p21.3.
Variant type: single nucleotide variant.
Coding change: c.762G>T on transcript NM_000110.4 (MANE Select); coding-DNA position 762, G replaced by T.
Protein change: p.Lys254Asn; replaces lysine 254 with asparagine.
Molecular consequence: missense variant.
Genome position (GRCh38, 1-based): chr1:97,691,717, C>A on the plus strand (G>T on the coding strand, the complement: DPYD is on the minus strand). VCF-style: chr1-97691717-C-A. GRCh37 (hg19) VCF-style: chr1-98157273-C-A.
Other names: short protein forms K254N.
Identifiers: ClinVar variation 4847552 (VCV004847552.1).

ClinVar aggregate classification (germline): Uncertain significance (1 of 4 stars; one submission).

Submission:

Women's Health and Genetics/Laboratory Corporation of America, LabCorp
Classification: Uncertain significance. Last evaluated: 2026-03-02. Review status: criteria provided, single submitter. Criteria: LabCorp Variant Classification Summary - May 2015. Collection method: clinical testing. Allele origin: germline.
Comment: Variant summary: DPYD c.762G>T (p.Lys254Asn) results in a non-conservative amino acid change in the encoded protein sequence. Algorithms developed to predict the effect of missense changes on protein structure and function all suggest that this variant is likely to be disruptive. Several computational tools predict a significant impact on normal splicing: Two predict the variant abolishes a 5' splicing donor site. Two predict the variant weakens a 5' donor site. However, these predictions have yet to be confirmed by functional studies. The frequency data for this variant in gnomAD is considered unreliable, as metrics indicate poor data quality at this position. To our knowledge, no occurrence of c.762G>T in individuals affected with DPYD-related conditions and no experimental evidence demonstrating its impact on protein function have been reported. No submitters have cited clinical-significance assessments for this variant to ClinVar. Based on the evidence outlined above, the variant was classified as uncertain significance.